The following is an entry in ClinVar:

NM_001312909.2(FAM111A):c.1806T>G (p.Asp602Glu)

Gene: FAM111A (FAM111 trypsin like peptidase A; plus strand). Cytogenetic location: 11q12.1.
Variant type: single nucleotide variant.
Coding change: c.1806T>G on transcript NM_001312909.2 (MANE Select); coding-DNA position 1806, T replaced by G.
Protein change: p.Asp602Glu; replaces aspartic acid 602 with glutamic acid.
Molecular consequence: missense variant.
Genome position (GRCh38, 1-based): chr11:59,153,474, T>G. VCF-style: chr11-59153474-T-G. GRCh37 (hg19) VCF-style: chr11-58920947-T-G.
Other names: c.1806T>G, p.Asp602Glu (NM_001142519.3, NM_001142520.3, NM_001142521.3 and 29 more transcripts); short protein forms D602E.
Identifiers: ClinVar variation 2099414 (VCV002099414.4), dbSNP rs2496325734, ClinGen allele CA380790537.

ClinVar aggregate classification (germline): Uncertain significance (1 of 4 stars; one submission).

Submission:

Labcorp Genetics (formerly Invitae), Labcorp
Classification: Uncertain significance. Last evaluated: 2022-02-19. Review status: criteria provided, single submitter. Criteria: Invitae Variant Classification Sherloc (09022015). Collection method: clinical testing. Allele origin: germline.
Comment: In summary, the available evidence is currently insufficient to determine the role of this variant in disease. Therefore, it has been classified as a Variant of Uncertain Significance. Algorithms developed to predict the effect of missense changes on protein structure and function output the following: SIFT: "Tolerated"; PolyPhen-2: "Benign"; Align-GVGD: "Class C0". The glutamic acid amino acid residue is found in multiple mammalian species, which suggests that this missense change does not adversely affect protein function. This variant has not been reported in the literature in individuals affected with FAM111A-related conditions. This variant is not present in population databases (gnomAD no frequency). This sequence change replaces aspartic acid, which is acidic and polar, with glutamic acid, which is acidic and polar, at codon 602 of the FAM111A protein (p.Asp602Glu).